The following is an entry in ClinVar:

NM_004415.4(DSP):c.3462T>A (p.Gly1154=)

Gene: DSP (desmoplakin; plus strand). Cytogenetic location: 6p24.3.
Variant type: single nucleotide variant.
Coding change: c.3462T>A on transcript NM_004415.4 (MANE Select); coding-DNA position 3462, T replaced by A.
Protein change: p.Gly1154=; no amino-acid change (glycine 1154 retained).
Molecular consequence: synonymous variant.
Genome position (GRCh38, 1-based): chr6:7,579,652, T>A. VCF-style: chr6-7579652-T-A. GRCh37 (hg19) VCF-style: chr6-7579885-T-A.
Other names: c.3462T>A (LRG_423t1); c.3462T>A, p.Gly1154= (NM_001008844.3, NM_001319034.2).
Identifiers: ClinVar variation 496243 (VCV000496243.14), dbSNP rs1554108086, ClinGen allele CA448714162.

ClinVar aggregate classification (germline): Likely benign. Review status: criteria provided, multiple submitters, no conflicts (2 of 4 stars). 4 submissions from 4 submitters: Likely benign (4). Last evaluated 2024-12-18.

Conditions:
Cardiomyopathy (CMYO). Also called: Cardiomyopathies. Identifiers: Orphanet 167848, MedGen C0878544, MONDO:0004994, HP:0001638. Inheritance: Various modes of inheritance.
Arrhythmogenic right ventricular dysplasia 8 (ARVD8). Also called: ARRHYTHMOGENIC RIGHT VENTRICULAR CARDIOMYOPATHY 8; Arrhythmogenic Right Ventricular Dysplasia/Cardiomyopathy 8; ARRHYTHMOGENIC RIGHT VENTRICULAR DYSPLASIA, FAMILIAL, 8. Identifiers: MedGen C1843896, MONDO:0011831, OMIM 607450.
Arrhythmogenic cardiomyopathy with wooly hair and keratoderma. Also called: Arrhythmogenic cardiomyopathy with woolly hair and keratoderma; PALMOPLANTAR KERATODERMA WITH LEFT VENTRICULAR CARDIOMYOPATHY AND WOOLLY HAIR; Carvajal syndrome; Dilated cardiomyopathy with woolly hair and keratoderma. Identifiers: Orphanet 65282, MedGen C1854063, MONDO:0011581, OMIM 605676.

Submissions (4):

Labcorp Genetics (formerly Invitae), Labcorp
Classification: Likely benign for Arrhythmogenic cardiomyopathy with wooly hair and keratoderma; Arrhythmogenic right ventricular dysplasia 8. Last evaluated: 2024-12-18. Review status: criteria provided, single submitter. Criteria: Invitae Variant Classification Sherloc (09022015). Collection method: clinical testing. Allele origin: germline.

All of Us Research Program, National Institutes of Health
Classification: Likely benign for Arrhythmogenic cardiomyopathy with wooly hair and keratoderma. Last evaluated: 2023-04-10. Review status: criteria provided, single submitter. Criteria: ACMG Guidelines, 2015. Collection method: clinical testing. Allele origin: germline. Inheritance: Autosomal dominant inheritance. Observed: 1 variant allele, 1 heterozygote.
Comment: This study involves interpretation of variants in research participants for the purpose of population health screening. Participant phenotype was not available at the time of variant classification. Additional details can be found in publication PMID: 35346344, PMCID: PMC8962531

Color Diagnostics, LLC DBA Color Health
Classification: Likely benign for Cardiomyopathy. Last evaluated: 2020-01-07. Review status: criteria provided, single submitter. Criteria: ACMG Guidelines, 2015. Collection method: clinical testing. Allele origin: germline.

Women's Health and Genetics/Laboratory Corporation of America, LabCorp
Classification: Likely benign. Last evaluated: 2019-08-28. Review status: criteria provided, single submitter. Criteria: LabCorp Variant Classification Summary - May 2015. Collection method: clinical testing. Allele origin: germline.